The following is an entry in ClinVar:

NM_000152.5(GAA):c.1817A>C (p.His606Pro)

Gene: GAA (alpha glucosidase; plus strand). Cytogenetic location: 17q25.3.
Variant type: single nucleotide variant.
Coding change: c.1817A>C on transcript NM_000152.5 (MANE Select); coding-DNA position 1817, A replaced by C.
Protein change: p.His606Pro; replaces histidine 606 with proline.
Molecular consequence: missense variant.
Genome position (GRCh38, 1-based): chr17:80,112,640, A>C. VCF-style: chr17-80112640-A-C. GRCh37 (hg19) VCF-style: chr17-78086439-A-C.
Other names: c.1817A>C, p.His606Pro (NM_001079803.3, NM_001079804.3); short protein forms H606P.
Identifiers: ClinVar variation 961246 (VCV000961246.13), dbSNP rs1311698018, ClinGen allele CA401369491.

ClinVar aggregate classification (germline): Uncertain significance. Review status: criteria provided, multiple submitters, no conflicts (2 of 4 stars). 3 submissions from 3 submitters: Uncertain significance (2). 1 of the submissions does not count toward it. Last evaluated 2024-11-08.

Conditions:
Glycogen storage disease, type II (IOPD). Also called: Pompe Disease; CARDIOMEGALIA GLYCOGENICA DIFFUSA; Glycogen storage disease type 2; Acid maltase deficiency disease; Aglucosidase alfa; Deficiency of alpha-glucosidase. Identifiers: Orphanet 365, MedGen C0017921, MONDO:0009290, OMIM 232300.

Allele frequency attached by ClinVar (database versions not stated): gnomAD exomes below 0.00001; TOPMed 0.00001.
gnomAD v4.1: 3 of 1,612,586 alleles (0.00019%); highest among the groups gnomAD compares: Admixed American, 0.0033%; no homozygotes.

Submissions (3):

Revvity Omics, Revvity
Classification: Uncertain significance. Last evaluated: 2024-11-08. Review status: criteria provided, single submitter. Criteria: ACMG Guidelines, 2015. Collection method: clinical testing. Allele origin: germline.

Labcorp Genetics (formerly Invitae), Labcorp
Classification: Uncertain significance for Glycogen storage disease, type II. Last evaluated: 2022-08-03. Review status: criteria provided, single submitter. Criteria: Invitae Variant Classification Sherloc (09022015). Collection method: clinical testing. Allele origin: germline.
Comment: This sequence change replaces histidine, which is basic and polar, with proline, which is neutral and non-polar, at codon 606 of the GAA protein (p.His606Pro). This variant is present in population databases (no rsID available, gnomAD 0.003%). This missense change has been observed in individual(s) with a positive newborn screening result for GAA-related disease (Invitae). ClinVar contains an entry for this variant (Variation ID: 961246). Advanced modeling of protein sequence and biophysical properties (such as structural, functional, and spatial information, amino acid conservation, physicochemical variation, residue mobility, and thermodynamic stability) performed at Invitae indicates that this missense variant is expected to disrupt GAA protein function. In summary, the available evidence is currently insufficient to determine the role of this variant in disease. Therefore, it has been classified as a Variant of Uncertain Significance.

Natera, Inc.
Classification: Uncertain significance for Glycogen storage disease type II. Last evaluated: 2020-02-18. Review status: no assertion criteria provided. Collection method: clinical testing. Allele origin: germline. Not counted in ClinVar's aggregate classification.